The following is an entry in ClinVar:

NM_003470.3(USP7):c.97C>G (p.Pro33Ala)

Gene: USP7 (ubiquitin specific peptidase 7; minus strand). Cytogenetic location: 16p13.2.
Variant type: single nucleotide variant.
Coding change: c.97C>G on transcript NM_003470.3 (MANE Select); coding-DNA position 97, C replaced by G.
Protein change: p.Pro33Ala; replaces proline 33 with alanine.
Molecular consequence: missense variant. On other transcripts: 5 prime UTR variant (2), non-coding transcript variant (1).
Genome position (GRCh38, 1-based): chr16:8,930,380, G>C on the plus strand (C>G on the coding strand, the complement: USP7 is on the minus strand). VCF-style: chr16-8930380-G-C. GRCh37 (hg19) VCF-style: chr16-9024237-G-C.
Other names: c.49C>G, p.Pro17Ala (NM_001286457.2); c.-376C>G (NM_001286458.2); c.-78C>G (NM_001321858.2); short protein forms P17A, P33A.
Identifiers: ClinVar variation 4765990 (VCV004765990.1).

ClinVar aggregate classification (germline): Uncertain significance (1 of 4 stars; one submission).

Submission:

Labcorp Genetics (formerly Invitae), Labcorp
Classification: Uncertain significance. Last evaluated: 2025-10-19. Review status: criteria provided, single submitter. Criteria: Invitae Variant Classification Sherloc (09022015). Collection method: clinical testing. Allele origin: germline.
Comment: This sequence change replaces proline, which is neutral and non-polar, with alanine, which is neutral and non-polar, at codon 33 of the USP7 protein (p.Pro33Ala). This variant is not present in population databases (gnomAD no frequency). This variant has not been reported in the literature in individuals affected with USP7-related conditions. An algorithm developed to predict the effect of missense changes on protein structure and function (PolyPhen-2) suggests that this variant is likely to be tolerated. In summary, the available evidence is currently insufficient to determine the role of this variant in disease. Therefore, it has been classified as a Variant of Uncertain Significance.